The following is an entry in ClinVar:

ClinVar aggregate classification (germline): Uncertain significance. Review status: criteria provided, multiple submitters, no conflicts (2 of 4 stars). 3 submissions from 3 submitters: Uncertain significance (3). Last evaluated 2024-07-20.

Conditions:
Inborn genetic diseases. Identifiers: MedGen C0950123, MeSH D030342.

Allele frequency attached by ClinVar (database versions not stated): ExAC 0.00003; gnomAD 0.00003; gnomAD exomes 0.00003 and 0.00004; TOPMed 0.00005.
gnomAD v4.1: 59 of 1,612,912 alleles (0.0037%); highest among the groups gnomAD compares: Admixed American, 0.013%; no homozygotes.

Submissions (3):

Labcorp Genetics (formerly Invitae), Labcorp
Classification: Uncertain significance. Last evaluated: 2024-07-20. Review status: criteria provided, single submitter. Criteria: Invitae Variant Classification Sherloc (09022015). Collection method: clinical testing. Allele origin: germline.
Comment: This sequence change replaces alanine, which is neutral and non-polar, with proline, which is neutral and non-polar, at codon 32 of the NEU1 protein (p.Ala32Pro). This variant is present in population databases (rs754390152, gnomAD 0.02%). This variant has not been reported in the literature in individuals affected with NEU1-related conditions. ClinVar contains an entry for this variant (Variation ID: 1520658). An algorithm developed to predict the effect of missense changes on protein structure and function (PolyPhen-2) suggests that this variant¬†is likely to be tolerated. In summary, the available evidence is currently insufficient to determine the role of this variant in disease. Therefore, it has been classified as a Variant of Uncertain Significance.

Blueprint Genetics
Classification: Uncertain significance. Last evaluated: 2023-10-30. Review status: criteria provided, single submitter. Criteria: ACMG Guidelines, 2015. Collection method: clinical testing. Allele origin: germline.

Ambry Genetics
Classification: Uncertain significance for Inborn genetic diseases. Last evaluated: 2021-09-17. Review status: criteria provided, single submitter. Criteria: Ambry Variant Classification Scheme 2023. Collection method: clinical testing. Allele origin: germline.

NM_000434.4(NEU1):c.94G>C (p.Ala32Pro)

Gene: NEU1 (neuraminidase 1; minus strand). Cytogenetic location: 6p21.33.
Variant type: single nucleotide variant.
Coding change: c.94G>C on transcript NM_000434.4 (MANE Select); coding-DNA position 94, G replaced by C.
Protein change: p.Ala32Pro; replaces alanine 32 with proline.
Molecular consequence: missense variant.
Genome position (GRCh38, 1-based): chr6:31,862,683, C>G on the plus strand (G>C on the coding strand, the complement: NEU1 is on the minus strand). VCF-style: chr6-31862683-C-G. GRCh37 (hg19) VCF-style: chr6-31830460-C-G.
Other names: c.94G>C (NM_000434.3); short protein forms A32P.
Identifiers: ClinVar variation 1520658 (VCV001520658.6), dbSNP rs754390152, ClinGen allele CA3725099.